The following is an entry in ClinVar:

NM_000528.4(MAN2B1):c.2274_2278dup (p.Arg760fs)

Gene: MAN2B1 (mannosidase alpha class 2B member 1; minus strand). Cytogenetic location: 19p13.13.
Variant type: Duplication.
Coding change: c.2274_2278dup on transcript NM_000528.4 (MANE Select); coding-DNA positions 2274 to 2278, 5 bases duplicated (TTATC; older notation c.2274_2278dupTTATC).
Protein change: p.Arg760fs; shifts the reading frame from arginine 760.
Molecular consequence: frameshift variant.
Genome position (GRCh38, 1-based): chr19:12,649,418-12,649,422, GATAA duplicated on the plus strand (TTATC on the coding strand, the reverse complement: MAN2B1 is on the minus strand). VCF-style (leftmost placement, unchanged base first): chr19-12649417-C-CGATAA. GRCh37 (hg19) VCF-style: chr19-12760231-C-CGATAA.
Other names: c.2271_2275dup, p.Arg759fs (NM_001173498.2); c.2277_2281dup, p.Arg761fs (NM_001440570.1); short protein forms R759fs, R760fs, R761fs.
Identifiers: ClinVar variation 5013520 (VCV005013520.1).
Genomic context (GRCh38, chr19:12,649,417, plus strand): 5'-GTGTTGACTGGATAGTAGTTTCCTGCCACGGGCTCCGTCTGGTTCAGTTTCCAGGTGGGT[C>CGATAA]GATAATCCCGCCTGGGGTTGGGGGTGAGCTGATCAGGCTTGGGATCTGGCTCCCCAACTC-3'

ClinVar aggregate classification (germline): Pathogenic (1 of 4 stars; one submission).

Conditions:
Deficiency of alpha-mannosidase (MANSA). Also called: LYSOSOMAL ALPHA-D-MANNOSIDASE DEFICIENCY; Alpha-Mannosidosis; Mannosidosis, alpha-, types I and II. Identifiers: Orphanet 61, MedGen C0024748, MONDO:0009561, OMIM 248500.

Submission:

Myriad Genetics, Inc.
Classification: Pathogenic for Deficiency of alpha-mannosidase. Last evaluated: 2024-09-02. Review status: criteria provided, single submitter. Criteria: Myriad Autosomal Dominant, Autosomal Recessive and X-Linked Classification Criteria (2023). Collection method: clinical testing. Allele origin: unknown.
Comment: NM_000528.3(MAN2B1):c.2274_2278dup5(R760Lfs*8) is expected to be pathogenic in the context of alpha-mannosidosis. This variant is predicted to lead to an abnormal or absent protein product due to the creation of a premature termination codon in MAN2B1, a gene where loss-of-function variants are known to be pathogenic. Please note: this variant was assessed in the context of healthy population screening.